The following is an entry in ClinVar:

ClinVar aggregate classification (germline): Conflicting classifications of pathogenicity. Review status: criteria provided, conflicting classifications (1 of 4 stars). 3 submissions from 3 submitters: Uncertain significance (1); Likely benign (2). Last evaluated 2024-11-08.

Conditions:
Inborn genetic diseases. Identifiers: MedGen C0950123, MeSH D030342.

Allele frequency attached by ClinVar (database versions not stated): 1000 Genomes Project 0.00060; 1000 Genomes Project 30x 0.00062; ESP Exome Variant Server 0.00192.
gnomAD v4.1: 4,372 of 1,613,812 alleles (0.27%); highest among the groups gnomAD compares: Non-Finnish European, 0.33%; 17 homozygotes.

Submissions (3):

Blueprint Genetics
Classification: Likely benign. Last evaluated: 2024-11-08. Review status: criteria provided, single submitter. Criteria: ACMG Guidelines, 2015. Collection method: clinical testing. Allele origin: germline.

CeGaT Center for Human Genetics Tuebingen
Classification: Likely benign. Last evaluated: 2023-05-01. Review status: criteria provided, single submitter. Criteria: CeGaT Center For Human Genetics Tuebingen Variant Classification Criteria Version 2. Collection method: clinical testing. Allele origin: germline. Affected: yes. Observed: 1 variant allele.
Comment: FLG: BP4, BS2

Ambry Genetics
Classification: Uncertain significance for Inborn genetic diseases. Last evaluated: 2021-06-11. Review status: criteria provided, single submitter. Criteria: Ambry Variant Classification Scheme 2023. Collection method: clinical testing. Allele origin: germline.

NM_002016.2(FLG):c.5383G>A (p.Glu1795Lys)

Genes: CCDST (cervical cancer associated DHX9 suppressive transcript; plus strand), FLG (filaggrin; minus strand). Cytogenetic location: 1q21.3.
Variant type: single nucleotide variant.
Coding change: c.5383G>A on transcript NM_002016.2 (MANE Select); coding-DNA position 5383, G replaced by A.
Protein change: p.Glu1795Lys; replaces glutamic acid 1795 with lysine.
Molecular consequence: missense variant.
Genome position (GRCh38, 1-based): chr1:152,309,503, C>T on the plus strand (G>A on the coding strand, the complement: FLG is on the minus strand). VCF-style: chr1-152309503-C-T. GRCh37 (hg19) VCF-style: chr1-152281979-C-T.
Other names: short protein forms E1795K.
Identifiers: ClinVar variation 2639284 (VCV002639284.26), dbSNP rs140424742, ClinGen allele CA1105790.